The following is an entry in ClinVar:

ClinVar aggregate classification (germline): Likely benign (1 of 4 stars; one submission).

gnomAD v4.1: 11,090 of 1,614,094 alleles (0.69%); highest among the groups gnomAD compares: Non-Finnish European, 0.83%; 50 homozygotes.

Submission:

CeGaT Center for Human Genetics Tuebingen
Classification: Likely benign. Last evaluated: 2026-08-01. Review status: criteria provided, single submitter. Criteria: CeGaT Center For Human Genetics Tuebingen Variant Classification Criteria Version 2. Collection method: clinical testing. Allele origin: germline. Affected: yes. Observed: 1 variant allele.
Comment: PAN2: BP4, BS2

NM_014871.6(PAN2):c.2391T>G (p.Ile797Met)

Gene: PAN2 (poly(A) specific ribonuclease subunit PAN2; minus strand). Cytogenetic location: 12q13.3.
Variant type: single nucleotide variant.
Coding change: c.2391T>G on transcript NM_014871.6 (MANE Select); coding-DNA position 2391, T replaced by G.
Protein change: p.Ile797Met; replaces isoleucine 797 with methionine.
Molecular consequence: missense variant.
Genome position (GRCh38, 1-based): chr12:56,323,164, A>C on the plus strand (T>G on the coding strand, the complement: PAN2 is on the minus strand). VCF-style: chr12-56323164-A-C. GRCh37 (hg19) VCF-style: chr12-56716948-A-C.
Other names: c.2403T>G, p.Ile801Met (NM_001127460.4, NM_001394699.1, NM_001394703.1); c.2400T>G, p.Ile800Met (NM_001166279.3, NM_001394704.1); c.2391T>G, p.Ile797Met (NM_001394700.1, NM_001394705.1); c.2388T>G, p.Ile796Met (NM_001394701.1, NM_001394702.1, NM_001394706.1 and 1 more transcripts); c.1974T>G, p.Ile658Met (NM_001394708.1); short protein forms I658M, I796M, I797M, I800M, I801M.
Identifiers: ClinVar variation 5038488 (VCV005038488.1).